The following is an entry in ClinVar:

ClinVar aggregate classification (germline): Likely benign (0 of 4 stars; one submission).

Conditions:
DDX59-related disorder. Also called: DDX59-related condition.

Allele frequency attached by ClinVar (database versions not stated): TOPMed 0.00046; 1000 Genomes Project 30x 0.00078; gnomAD 0.00090; ExAC 0.00062; 1000 Genomes Project 0.00100.
gnomAD v4.1: 550 of 1,304,780 alleles (0.042%); highest among the groups gnomAD compares: East Asian, 0.73%; no homozygotes.

Submission:

PreventionGenetics, part of Exact Sciences
Classification: Likely benign for DDX59-related condition. Last evaluated: 2020-09-02. Review status: no assertion criteria provided. Collection method: clinical testing. Allele origin: germline.
Comment: This variant is classified as likely benign based on ACMG/AMP sequence variant interpretation guidelines (Richards et al. 2015 PMID: 25741868, with internal and published modifications).

NM_001320181.2(DDX59):c.1632T>G (p.Ile544Met)

Gene: DDX59 (DEAD-box helicase 59; minus strand). Cytogenetic location: 1q32.1.
Variant type: single nucleotide variant.
Coding change: c.1632T>G on transcript NM_001320181.2; coding-DNA position 1632, T replaced by G.
Protein change: p.Ile544Met; replaces isoleucine 544 with methionine.
Molecular consequence: missense variant. On other transcripts: intron variant (1).
Genome position (GRCh38, 1-based): chr1:200,641,221, A>C on the plus strand (T>G on the coding strand, the complement: DDX59 is on the minus strand). VCF-style: chr1-200641221-A-C. GRCh37 (hg19) VCF-style: chr1-200610349-A-C.
Other names: c.1597-36T>G (NM_001349802.3); short protein forms I544M.
Identifiers: ClinVar variation 3058319 (VCV003058319.2), dbSNP rs181616119, ClinGen allele CA1318165.